The following is an entry in ClinVar:

NM_002439.5(MSH3):c.2092G>A (p.Asp698Asn)

Gene: MSH3 (mutS homolog 3; plus strand). Cytogenetic location: 5q14.1.
Variant type: single nucleotide variant.
Coding change: c.2092G>A on transcript NM_002439.5 (MANE Select); coding-DNA position 2092, G replaced by A.
Protein change: p.Asp698Asn; replaces aspartic acid 698 with asparagine.
Molecular consequence: missense variant.
Genome position (GRCh38, 1-based): chr5:80,768,842, G>A. VCF-style: chr5-80768842-G-A. GRCh37 (hg19) VCF-style: chr5-80064661-G-A.
Other names: short protein forms D698N.
Identifiers: ClinVar variation 933261 (VCV000933261.14), dbSNP rs1744168013, ClinGen allele CA360279177.

ClinVar aggregate classification (germline): Uncertain significance. Review status: criteria provided, multiple submitters, no conflicts (2 of 4 stars). 3 submissions from 3 submitters: Uncertain significance (3). Last evaluated 2025-09-27.

Conditions:
Hereditary cancer-predisposing syndrome. Also called: Neoplastic Syndromes, Hereditary; Hereditary Cancer Syndrome; Hereditary neoplastic syndrome; Tumor predisposition. Identifiers: Orphanet 140162, MedGen C0027672, MeSH D009386, MONDO:0015356.

gnomAD v4.1: 1 of 1,605,626 alleles (0.000062%); no homozygotes.

Submissions (3):

Labcorp Genetics (formerly Invitae), Labcorp
Classification: Uncertain significance. Last evaluated: 2025-09-27. Review status: criteria provided, single submitter. Criteria: Invitae Variant Classification Sherloc (09022015). Collection method: clinical testing. Allele origin: germline.
Comment: This sequence change replaces aspartic acid, which is acidic and polar, with asparagine, which is neutral and polar, at codon 698 of the MSH3 protein (p.Asp698Asn). This variant is not present in population databases (gnomAD no frequency). This variant has not been reported in the literature in individuals affected with MSH3-related conditions. ClinVar contains an entry for this variant (Variation ID: 933261). An algorithm developed to predict the effect of missense changes on protein structure and function outputs the following: PolyPhen-2: "Benign". The asparagine amino acid residue is found in multiple mammalian species, which suggests that this missense change does not adversely affect protein function. In summary, the available evidence is currently insufficient to determine the role of this variant in disease. Therefore, it has been classified as a Variant of Uncertain Significance.

Ambry Genetics
Classification: Uncertain significance for Hereditary cancer-predisposing syndrome. Last evaluated: 2024-06-30. Review status: criteria provided, single submitter. Criteria: Ambry Variant Classification Scheme 2023. Collection method: clinical testing. Allele origin: germline.
Comment: The p.D698N variant (also known as c.2092G>A), located in coding exon 15 of the MSH3 gene, results from a G to A substitution at nucleotide position 2092. The aspartic acid at codon 698 is replaced by asparagine, an amino acid with highly similar properties. This amino acid position is conserved. In addition, this alteration is predicted to be tolerated by in silico analysis. Since supporting evidence is limited at this time, the clinical significance of this alteration remains unclear.

GeneDx
Classification: Uncertain significance. Last evaluated: 2023-07-28. Review status: criteria provided, single submitter. Criteria: GeneDx Variant Classification Process June 2021. Collection method: clinical testing. Allele origin: germline. Affected: yes.
Comment: Not observed at significant frequency in large population cohorts (gnomAD); In silico analysis supports that this missense variant has a deleterious effect on protein structure/function; Has not been previously published as pathogenic or benign to our knowledge